The following is an entry in ClinVar:

ClinVar aggregate classification (germline): Conflicting classifications of pathogenicity. Review status: criteria provided, conflicting classifications (1 of 4 stars). 4 submissions from 4 submitters: Uncertain significance (1); Likely benign (2). 1 of the submissions does not count toward it. Last evaluated 2025-09-24.

Conditions:
SIM1-related disorder. Also called: SIM1-related disorders; SIM1-related condition.
Obesity due to SIM1 deficiency. Identifiers: Orphanet 369873, MedGen C5191050, MONDO:0018244.

Allele frequency attached by ClinVar (database versions not stated): TOPMed 0.00003; gnomAD 0.00004; gnomAD exomes 0.00005 and 0.00006; ExAC 0.00006.

Submissions (4):

Labcorp Genetics (formerly Invitae), Labcorp
Classification: Likely benign. Last evaluated: 2025-09-24. Review status: criteria provided, single submitter. Criteria: Invitae Variant Classification Sherloc (09022015). Collection method: clinical testing. Allele origin: germline.

Illumina Laboratory Services, Illumina
Classification: Uncertain significance for Obesity due to SIM1 deficiency. Last evaluated: 2017-04-28. Review status: criteria provided, single submitter. Criteria: ICSL Variant Classification Criteria 13 December 2019. Collection method: clinical testing. Allele origin: germline.
Comment: This variant was observed as part of a predisposition screen in an ostensibly healthy population. A literature search was performed for the gene, cDNA change, and amino acid change (where applicable). Publications were found based on this search. However, the evidence from the literature, in combination with allele frequency data from public databases where available, was not sufficient to rule this variant in or out of causing disease. Therefore, this variant is classified as a variant of unknown significance.

Genetic Services Laboratory, University of Chicago
Classification: Likely benign. Last evaluated: 2017-02-21. Review status: criteria provided, single submitter. Criteria: ACMG Guidelines, 2015. Collection method: clinical testing. Allele origin: germline. Affected: no.

PreventionGenetics, part of Exact Sciences
Classification: Likely benign for SIM1-related condition. Last evaluated: 2023-10-11. Review status: no assertion criteria provided. Collection method: clinical testing. Allele origin: germline. Not counted in ClinVar's aggregate classification.
Comment: This variant is classified as likely benign based on ACMG/AMP sequence variant interpretation guidelines (Richards et al. 2015 PMID: 25741868, with internal and published modifications).

Literature cited by the submitters: PubMed 26795956 (cited by Illumina Laboratory Services, Illumina); PubMed 24097297 (cited by Illumina Laboratory Services, Illumina).

NM_005068.3(SIM1):c.624G>A (p.Val208=)

Gene: SIM1 (SIM bHLH transcription factor 1; minus strand). Cytogenetic location: 6q16.3.
Variant type: single nucleotide variant.
Coding change: c.624G>A on transcript NM_005068.3 (MANE Select); coding-DNA position 624, G replaced by A.
Protein change: p.Val208=; no amino-acid change (valine 208 retained).
Molecular consequence: synonymous variant.
Genome position (GRCh38, 1-based): chr6:100,448,598, C>T on the plus strand (G>A on the coding strand, the complement: SIM1 is on the minus strand). VCF-style: chr6-100448598-C-T. GRCh37 (hg19) VCF-style: chr6-100896474-C-T.
Other names: c.624G>A, p.Val208= (NM_001374769.1).
Identifiers: ClinVar variation 436727 (VCV000436727.12), dbSNP rs753737612, ClinGen allele CA3937253.
Genomic context (GRCh38, chr6:100,448,598, plus strand): 5'-GTGTAGCTTGATCTCCGTGACGGCGCTGGGAGGCAGCGAGTGGCCCACGGCCACCAGGCC[C>T]ACGTTTTGGTAGCAGCCGTCGAAGGGGGACATGTCCAGGCTGTACTGGCGGATCTTCAAG-3'
Protein context (NP_005059.2, residues 198-218): MSPFDGCYQN[Val208=]GLVAVGHSLP